The following is an entry in ClinVar:

ClinVar aggregate classification (germline): Likely benign. Review status: criteria provided, multiple submitters, no conflicts (2 of 4 stars). 5 submissions from 4 submitters: Likely benign (5). Last evaluated 2024-11-21.

Conditions:
Developmental and epileptic encephalopathy, 14 (DEE14). Also called: Early infantile epileptic encephalopathy 14. Identifiers: Orphanet 293181, MedGen C3554195, MONDO:0013989, OMIM 614959.
Autosomal dominant nocturnal frontal lobe epilepsy 5. Also called: KCNT1-Related Epilepsy; CILIARY DYSKINESIA, PRIMARY, 28, WITHOUT SITUS INVERSUS; CILIARY DYSKINESIA, PRIMARY, 28, WITH SITUS INVERSUS; Epilepsy, nocturnal frontal lobe, 5. Identifiers: Orphanet 98784, MedGen C3554306, MONDO:0014002, OMIM 615005.

Allele frequency attached by ClinVar (database versions not stated): gnomAD below 0.00001 and 0.00002; 1000 Genomes Project 30x 0.00016; 1000 Genomes Project 0.00020.
gnomAD v4.1: 57 of 1,613,260 alleles (0.0035%); highest among the groups gnomAD compares: South Asian, 0.06%; 2 homozygotes.

Submissions (5):

Blueprint Genetics
Classification: Likely benign. Last evaluated: 2024-11-21. Review status: criteria provided, single submitter. Criteria: ACMG Guidelines, 2015. Collection method: clinical testing. Allele origin: germline.

Labcorp Genetics (formerly Invitae), Labcorp
Classification: Likely benign for Autosomal dominant nocturnal frontal lobe epilepsy 5; Developmental and epileptic encephalopathy, 14. Last evaluated: 2024-08-03. Review status: criteria provided, single submitter. Criteria: Invitae Variant Classification Sherloc (09022015). Collection method: clinical testing. Allele origin: germline.

Genome-Nilou Lab
Classification: Likely benign for Developmental and epileptic encephalopathy, 14. Last evaluated: 2022-03-15. Review status: criteria provided, single submitter. Criteria: ACMG Guidelines, 2015. Collection method: clinical testing. Allele origin: germline. Affected: no.

Genome-Nilou Lab
Classification: Likely benign for Autosomal dominant nocturnal frontal lobe epilepsy 5. Last evaluated: 2022-03-15. Review status: criteria provided, single submitter. Criteria: ACMG Guidelines, 2015. Collection method: clinical testing. Allele origin: germline. Affected: no.

GeneDx
Classification: Likely benign. Last evaluated: 2016-12-07. Review status: criteria provided, single submitter. Criteria: GeneDx Variant Classification (06012015). Collection method: clinical testing. Allele origin: germline. Affected: yes.
Comment: This variant is considered likely benign or benign based on one or more of the following criteria: it is a conservative change, it occurs at a poorly conserved position in the protein, it is predicted to be benign by multiple in silico algorithms, and/or has population frequency not consistent with disease.

NM_020822.3(KCNT1):c.1695C>A (p.Arg565=)

Gene: KCNT1 (potassium sodium-activated channel subfamily T member 1; plus strand). Cytogenetic location: 9q34.3.
Variant type: single nucleotide variant.
Coding change: c.1695C>A on transcript NM_020822.3 (MANE Select); coding-DNA position 1695, C replaced by A.
Protein change: p.Arg565=; no amino-acid change (arginine 565 retained).
Molecular consequence: synonymous variant.
Genome position (GRCh38, 1-based): chr9:135,770,373, C>A. VCF-style: chr9-135770373-C-A. GRCh37 (hg19) VCF-style: chr9-138662219-C-A.
Other names: c.1560C>A, p.Arg520= (NM_001272003.2).
Identifiers: ClinVar variation 391618 (VCV000391618.12), dbSNP rs553208215, ClinGen allele CA5327031.